The following is an entry in ClinVar:

NM_020163.3(SEMA3G):c.802C>G (p.Arg268Gly)

Gene: SEMA3G (semaphorin 3G; minus strand). Cytogenetic location: 3p21.1.
Variant type: single nucleotide variant.
Coding change: c.802C>G on transcript NM_020163.3 (MANE Select); coding-DNA position 802, C replaced by G.
Protein change: p.Arg268Gly; replaces arginine 268 with glycine.
Molecular consequence: missense variant.
Genome position (GRCh38, 1-based): chr3:52,441,275, G>C on the plus strand (C>G on the coding strand, the complement: SEMA3G is on the minus strand). VCF-style: chr3-52441275-G-C. GRCh37 (hg19) VCF-style: chr3-52475291-G-C.
Other names: short protein forms R268G.
Identifiers: ClinVar variation 3344384 (VCV003344384.2).

ClinVar aggregate classification (germline): Uncertain significance (1 of 4 stars; one submission).

Conditions:
SEMA3G-related disorder. Also called: SEMA3G-related condition.

Submission:

PreventionGenetics, part of Exact Sciences
Classification: Uncertain significance for SEMA3G-related condition. Last evaluated: 2026-07-22. Review status: criteria provided, single submitter. Criteria: ACMG Guidelines, 2015. Collection method: clinical testing. Allele origin: germline.
Comment: The SEMA3G c.802C>G variant is predicted to result in the amino acid substitution p.Arg268Gly. To our knowledge, this variant has not been reported in the literature or in a large population database (gnomAD), indicating this variant is rare. At this time, the clinical significance of this variant is uncertain due to the absence of conclusive functional and genetic evidence.